The following is an entry in ClinVar:

NM_000071.3(CBS):c.748A>G (p.Met250Val)

Gene: CBS (cystathionine beta-synthase; minus strand). Cytogenetic location: 21q22.3.
Variant type: single nucleotide variant.
Coding change: c.748A>G on transcript NM_000071.3 (MANE Select); coding-DNA position 748, A replaced by G.
Protein change: p.Met250Val; replaces methionine 250 with valine.
Molecular consequence: missense variant.
Genome position (GRCh38, 1-based): chr21:43,063,980, T>C on the plus strand (A>G on the coding strand, the complement: CBS is on the minus strand). VCF-style: chr21-43063980-T-C. GRCh37 (hg19) VCF-style: chr21-44484090-T-C.
Other names: c.748A>G, p.Met250Val (NM_001178008.3, NM_001178009.3, NM_001320298.2); c.433A>G, p.Met145Val (NM_001321072.1); short protein forms M250V, M145V.
Identifiers: ClinVar variation 1346694 (VCV001346694.5), dbSNP rs777884368, ClinGen allele CA410600372.

ClinVar aggregate classification (germline): Uncertain significance (1 of 4 stars; one submission).

Conditions:
HYPERHOMOCYSTEINEMIA, THROMBOTIC, CBS-RELATED. Identifiers: MedGen C3150344, OMIM 236200.

Submission:

Labcorp Genetics (formerly Invitae), Labcorp
Classification: Uncertain significance for HYPERHOMOCYSTEINEMIA, THROMBOTIC, CBS-RELATED. Last evaluated: 2021-08-31. Review status: criteria provided, single submitter. Criteria: Invitae Variant Classification Sherloc (09022015). Collection method: clinical testing. Allele origin: germline.
Comment: This sequence change replaces methionine with valine at codon 250 of the CBS protein (p.Met250Val). The methionine residue is moderately conserved and there is a small physicochemical difference between methionine and valine. This variant is not present in population databases (ExAC no frequency). This variant has not been reported in the literature in individuals affected with CBS-related conditions. Algorithms developed to predict the effect of missense changes on protein structure and function are either unavailable or do not agree on the potential impact of this missense change (SIFT: "Tolerated"; PolyPhen-2: "Possibly Damaging"; Align-GVGD: "Class C0"). In summary, the available evidence is currently insufficient to determine the role of this variant in disease. Therefore, it has been classified as a Variant of Uncertain Significance.